The following is an entry in ClinVar:

NM_000548.5(TSC2):c.4391C>G (p.Ser1464Cys)

Gene: TSC2 (TSC complex subunit 2; plus strand). Cytogenetic location: 16p13.3.
Variant type: single nucleotide variant.
Coding change: c.4391C>G on transcript NM_000548.5 (MANE Select); coding-DNA position 4391, C replaced by G.
Protein change: p.Ser1464Cys; replaces serine 1464 with cysteine.
Molecular consequence: missense variant.
Genome position (GRCh38, 1-based): chr16:2,084,613, C>G. VCF-style: chr16-2084613-C-G. GRCh37 (hg19) VCF-style: chr16-2134614-C-G.
Other names: c.4190C>G, p.Ser1397Cys (NM_001077183.3); c.4322C>G, p.Ser1441Cys (NM_001114382.3); c.4082C>G, p.Ser1361Cys (NM_001318827.2); c.4046C>G, p.Ser1349Cys (NM_001318829.2); c.3659C>G, p.Ser1220Cys (NM_001318831.2); c.4223C>G, p.Ser1408Cys (NM_001318832.2); c.4193C>G, p.Ser1398Cys (NM_001363528.2); c.4259C>G, p.Ser1420Cys (NM_001370404.1); and 1 more; short protein forms S1349C, S1361C, S1220C, S1398C, S1408C, S1421C, S1441C, S1397C.
Identifiers: ClinVar variation 824859 (VCV000824859.10), dbSNP rs1596418078, ClinGen allele CA394301875.

ClinVar aggregate classification (germline): Uncertain significance. Review status: criteria provided, multiple submitters, no conflicts (2 of 4 stars). 2 submissions from 2 submitters: Uncertain significance (2). Last evaluated 2025-08-13.

Conditions:
Hereditary cancer-predisposing syndrome. Also called: Neoplastic Syndromes, Hereditary; Hereditary Cancer Syndrome; Hereditary neoplastic syndrome; Tumor predisposition. Identifiers: Orphanet 140162, MedGen C0027672, MeSH D009386, MONDO:0015356.
Tuberous sclerosis 2 (TSC2). Identifiers: Orphanet 805, MedGen C1860707, MONDO:0013199, OMIM 613254.

Submissions (2):

Labcorp Genetics (formerly Invitae), Labcorp
Classification: Uncertain significance for Tuberous sclerosis 2. Last evaluated: 2025-08-13. Review status: criteria provided, single submitter. Criteria: Invitae Variant Classification Sherloc (09022015). Collection method: clinical testing. Allele origin: germline.
Comment: This sequence change replaces serine, which is neutral and polar, with cysteine, which is neutral and slightly polar, at codon 1464 of the TSC2 protein (p.Ser1464Cys). This variant is not present in population databases (gnomAD no frequency). This variant has not been reported in the literature in individuals affected with TSC2-related conditions. ClinVar contains an entry for this variant (Variation ID: 824859). Invitae Evidence Modeling of protein sequence and biophysical properties (such as structural, functional, and spatial information, amino acid conservation, physicochemical variation, residue mobility, and thermodynamic stability) indicates that this missense variant is not expected to disrupt TSC2 protein function with a negative predictive value of 95%. In summary, the available evidence is currently insufficient to determine the role of this variant in disease. Therefore, it has been classified as a Variant of Uncertain Significance.

Ambry Genetics
Classification: Uncertain significance for Hereditary cancer-predisposing syndrome. Last evaluated: 2022-10-24. Review status: criteria provided, single submitter. Criteria: Ambry Variant Classification Scheme 2023. Collection method: clinical testing. Allele origin: germline.
Comment: The p.S1464C variant (also known as c.4391C>G), located in coding exon 33 of the TSC2 gene, results from a C to G substitution at nucleotide position 4391. The serine at codon 1464 is replaced by cysteine, an amino acid with dissimilar properties. This amino acid position is highly conserved in available vertebrate species. In addition, this alteration is predicted to be deleterious by in silico analysis. Since supporting evidence is limited at this time, the clinical significance of this alteration remains unclear.